The following is an entry in ClinVar:

NM_139058.3(ARX):c.980_983del (p.Lys327fs)

Gene: ARX (aristaless related homeobox; minus strand). Cytogenetic location: Xp21.3.
Variant type: Deletion.
Coding change: c.980_983del on transcript NM_139058.3 (MANE Select); coding-DNA positions 980 to 983, 4 bases deleted (AACA; older notation c.980_983delAACA).
Protein change: p.Lys327fs; shifts the reading frame from lysine 327.
Molecular consequence: frameshift variant.
Genome position (GRCh38, 1-based): chrX:25,013,012-25,013,015, TGTT deleted on the plus strand (AACA on the coding strand, the reverse complement: ARX is on the minus strand); deleting any 4 consecutive bases within chrX:25,013,012-25,013,017 gives the same sequence; the c. name uses the placement nearest the transcript's 3' end. VCF-style (leftmost placement, unchanged base first): chrX-25013011-CTGTT-C. GRCh37 (hg19) VCF-style: chrX-25031128-CTGTT-C.
Other names: c.980_983delAACA (NM_139058.2); c.980_983del (NM_139058.2); short protein forms K327fs.
Identifiers: ClinVar variation 96464 (VCV000096464.3), dbSNP rs398124520, ClinGen allele CA224141.

ClinVar aggregate classification (germline): Pathogenic (1 of 4 stars; one submission).

Submission:

GeneDx
Classification: Pathogenic. Last evaluated: 2023-12-16. Review status: criteria provided, single submitter. Criteria: GeneDx Variant Classification Process June 2021. Collection method: clinical testing. Allele origin: germline. Affected: yes.
Comment: Frameshift variant predicted to result in protein truncation or nonsense mediated decay in a gene for which loss of function is a known mechanism of disease; Not observed at significant frequency in large population cohorts (gnomAD); This variant is associated with the following publications: (PMID: 18842366)